The following is an entry in ClinVar:

ClinVar aggregate classification (germline): Uncertain significance (1 of 4 stars; one submission).

gnomAD v4.1: 2 of 1,614,104 alleles (0.00012%); highest among the groups gnomAD compares: Non-Finnish European, 0.00017%; no homozygotes.

Submission:

CeGaT Center for Human Genetics Tuebingen
Classification: Uncertain significance. Last evaluated: 2024-11-01. Review status: criteria provided, single submitter. Criteria: CeGaT Center For Human Genetics Tuebingen Variant Classification Criteria Version 2. Collection method: clinical testing. Allele origin: germline. Affected: yes. Observed: 1 variant allele.
Comment: DENND5A: PM2

NM_015213.4(DENND5A):c.455C>T (p.Thr152Ile)

Gene: DENND5A (DENN domain containing 5A; minus strand). Cytogenetic location: 11p15.4.
Variant type: single nucleotide variant.
Coding change: c.455C>T on transcript NM_015213.4 (MANE Select); coding-DNA position 455, C replaced by T.
Protein change: p.Thr152Ile; replaces threonine 152 with isoleucine.
Molecular consequence: missense variant. On other transcripts: non-coding transcript variant (1).
Genome position (GRCh38, 1-based): chr11:9,204,154, G>A on the plus strand (C>T on the coding strand, the complement: DENND5A is on the minus strand). VCF-style: chr11-9204154-G-A. GRCh37 (hg19) VCF-style: chr11-9225701-G-A.
Other names: c.455C>T, p.Thr152Ile (NM_001243254.2); c.383C>T, p.Thr128Ile (NM_001348749.2); c.167C>T, p.Thr56Ile (NM_001348750.2); short protein forms T128I, T152I, T56I.
Identifiers: ClinVar variation 3388994 (VCV003388994.14).